The following is an entry in ClinVar:

ClinVar aggregate classification (germline): Uncertain significance (1 of 4 stars; one submission).

Conditions:
Neuropathy, hereditary sensory and autonomic, type 1C. Also called: HSAN IC; HSN IC. Identifiers: Orphanet 36386, MedGen C3150896, MONDO:0013337, OMIM 613640.

Allele frequency attached by ClinVar (database versions not stated): gnomAD exomes below 0.00001; ExAC 0.00001.
gnomAD v4.1: 5 of 1,614,204 alleles (0.00031%); highest among the groups gnomAD compares: Non-Finnish European, 0.00042%; no homozygotes.

Submission:

Labcorp Genetics (formerly Invitae), Labcorp
Classification: Uncertain significance for Hereditary sensory and autonomic neuropathy type IC. Last evaluated: 2019-07-18. Review status: criteria provided, single submitter. Criteria: Invitae Variant Classification Sherloc (09022015). Collection method: clinical testing. Allele origin: germline.
Comment: This sequence change replaces isoleucine with threonine at codon 504 of the SPTLC2 protein (p.Ile504Thr). The isoleucine residue is moderately conserved and there is a moderate physicochemical difference between isoleucine and threonine. This variant is present in population databases (rs775468865, ExAC 0.001%). This variant has not been reported in the literature in individuals with SPTLC2-related conditions. Algorithms developed to predict the effect of missense changes on protein structure and function are either unavailable or do not agree on the potential impact of this missense change (SIFT: "Deleterious"; PolyPhen-2: "Benign"; Align-GVGD: "Class C0"). This variant disrupts the p.Ile504 amino acid residue in SPTLC2. Other variant(s) that disrupt this residue have been determined to be pathogenic (PMID: 24175284, 26681808, 20920666). This suggests that this residue is clinically significant, and that variants that disrupt this residue are likely to be disease-causing. In summary, the available evidence is currently insufficient to determine the role of this variant in disease. Therefore, it has been classified as a Variant of Uncertain Significance.

Literature cited by the submitters: PubMed 24175284; PubMed 20920666; PubMed 26681808.

NM_004863.4(SPTLC2):c.1511T>C (p.Ile504Thr)

Gene: SPTLC2 (serine palmitoyltransferase long chain base subunit 2; minus strand). Cytogenetic location: 14q24.3.
Variant type: single nucleotide variant.
Coding change: c.1511T>C on transcript NM_004863.4 (MANE Select); coding-DNA position 1511, T replaced by C.
Protein change: p.Ile504Thr; replaces isoleucine 504 with threonine.
Molecular consequence: missense variant.
Genome position (GRCh38, 1-based): chr14:77,518,096, A>G on the plus strand (T>C on the coding strand, the complement: SPTLC2 is on the minus strand). VCF-style: chr14-77518096-A-G. GRCh37 (hg19) VCF-style: chr14-77984439-A-G.
Other names: short protein forms I504T.
Identifiers: ClinVar variation 950304 (VCV000950304.1), dbSNP rs775468865, ClinGen allele CA7289136.